The following is an entry in ClinVar:

NM_001163809.2(WDR81):c.3486C>T (p.Cys1162=)

Gene: WDR81 (WD repeat domain 81; plus strand). Cytogenetic location: 17p13.3.
Variant type: single nucleotide variant.
Coding change: c.3486C>T on transcript NM_001163809.2 (MANE Select); coding-DNA position 3486, C replaced by T.
Protein change: p.Cys1162=; no amino-acid change (cysteine 1162 retained).
Molecular consequence: synonymous variant. On other transcripts: intron variant (2).
Genome position (GRCh38, 1-based): chr17:1,728,445, C>T. VCF-style: chr17-1728445-C-T. GRCh37 (hg19) VCF-style: chr17-1631739-C-T.
Other names: c.333C>T, p.Cys111= (NM_152348.4); c.59-1935C>T (NM_001163673.2); c.-14-1935C>T (NM_001163811.2).
Identifiers: ClinVar variation 4872574 (VCV004872574.2).

ClinVar aggregate classification (germline): Likely benign (1 of 4 stars; one submission).

gnomAD v4.1: 18 of 1,611,752 alleles (0.0011%); highest among the groups gnomAD compares: Middle Eastern, 0.016%; no homozygotes.

Submission:

CeGaT Center for Human Genetics Tuebingen
Classification: Likely benign. Last evaluated: 2026-06-01. Review status: criteria provided, single submitter. Criteria: CeGaT Center For Human Genetics Tuebingen Variant Classification Criteria Version 2. Collection method: clinical testing. Allele origin: germline. Affected: yes. Observed: 1 variant allele.
Comment: WDR81: BP4, BP7